The following is an entry in ClinVar:

ClinVar aggregate classification (germline): Likely pathogenic (0 of 4 stars; one submission).

Conditions:
Aarskog syndrome (AAS). Also called: Aarskog Scott syndrome; Aarskog disease; Aarskog-Scott syndrome, X-linked; FGD1-Related Faciogenital Dysplasia (Aarskog-Scott Syndrome); FGDY. Identifiers: Orphanet 915, MedGen C0175701, MONDO:0010589, OMIM 305400.

Submission:

Istanbul Faculty of Medicine, Istanbul University
Classification: Likely pathogenic for Aarskog syndrome. Last evaluated: 2024-10-02. Review status: no assertion criteria provided. Collection method: clinical testing. Allele origin: germline. Affected: yes. Observed: 1 variant allele.
Comment: PVS1, PM2

NM_004463.3(FGD1):c.1306del (p.Leu436fs)

Gene: FGD1 (FYVE, RhoGEF and PH domain containing 1; minus strand). Cytogenetic location: Xp11.22.
Variant type: Deletion.
Coding change: c.1306del on transcript NM_004463.3 (MANE Select); coding-DNA position 1306, one base deleted (C; older notation c.1306delC).
Protein change: p.Leu436fs; shifts the reading frame from leucine 436.
Molecular consequence: frameshift variant.
Genome position (GRCh38, 1-based): chrX:54,467,818, G deleted on the plus strand (C on the coding strand, the reverse complement: FGD1 is on the minus strand); the first of 2 consecutive G bases (chrX:54,467,818-54,467,819); deleting either gives the same sequence. VCF-style (leftmost placement, unchanged base first): chrX-54467817-AG-A. GRCh37 (hg19) VCF-style: chrX-54494250-AG-A.
Other names: c.1306delC (NM_004463.3); short protein forms L436fs.
Identifiers: ClinVar variation 3747855 (VCV003747855.1).